The following is an entry in ClinVar:

NM_000179.3(MSH6):c.727C>T (p.Arg243Cys)

Gene: MSH6 (mutS homolog 6; plus strand). Cytogenetic location: 2p16.3.
Variant type: single nucleotide variant.
Coding change: c.727C>T on transcript NM_000179.3 (MANE Select); coding-DNA position 727, C replaced by T.
Protein change: p.Arg243Cys; replaces arginine 243 with cysteine.
Molecular consequence: missense variant. On other transcripts: 5 prime UTR variant (2).
Genome position (GRCh38, 1-based): chr2:47,798,710, C>T. VCF-style: chr2-47798710-C-T. GRCh37 (hg19) VCF-style: chr2-48025849-C-T.
Other names: c.337C>T, p.Arg113Cys (NM_001281492.2); c.-180C>T (NM_001281493.2, NM_001281494.2); short protein forms R243C, R113C.
Identifiers: ClinVar variation 142675 (VCV000142675.36), dbSNP rs377216828, ClinGen allele CA016337.

ClinVar aggregate classification (germline): Conflicting classifications of pathogenicity. Review status: criteria provided, conflicting classifications (1 of 4 stars). 11 submissions from 11 submitters: Uncertain significance (8); Benign (1); Likely benign (1). 1 of the submissions does not count toward it. Last evaluated 2025-10-07.

Conditions:
Hereditary nonpolyposis colorectal neoplasms. Identifiers: MedGen C0009405, MeSH D003123.
Ovarian cancer. Also called: OVARIAN CANCER, SOMATIC. Identifiers: Orphanet 213500, MedGen C1140680, MONDO:0008170, OMIM 167000.
Hereditary cancer-predisposing syndrome. Also called: Neoplastic Syndromes, Hereditary; Hereditary Cancer Syndrome; Tumor predisposition; Hereditary neoplastic syndrome. Identifiers: Orphanet 140162, MedGen C0027672, MeSH D009386, MONDO:0015356.
Lynch syndrome. Identifiers: Orphanet 144, MedGen C4552100, MONDO:0005835. Disease mechanism: loss of function.
Lynch syndrome 5 (LYNCH5). Also called: Colorectal cancer, hereditary nonpolyposis, type 5; Hereditary non-polyposis colorectal cancer, type 5. Identifiers: Orphanet 144, MedGen C1833477, MONDO:0013710, OMIM 614350. Disease mechanism: loss of function.
Endometrial carcinoma. Also called: Endometrial carcinoma, somatic. Identifiers: MedGen C0476089, MONDO:0002447, OMIM 608089, HP:0012114.

Allele frequency attached by ClinVar (database versions not stated): gnomAD 0.00001 and 0.00002; TOPMed 0.00004; ESP Exome Variant Server 0.00008; gnomAD exomes 0.00001.

Submissions (11):

Labcorp Genetics (formerly Invitae), Labcorp
Classification: Likely benign for Hereditary nonpolyposis colorectal neoplasms. Last evaluated: 2025-10-07. Review status: criteria provided, single submitter. Criteria: Invitae Variant Classification Sherloc (09022015). Collection method: clinical testing. Allele origin: germline.

Ambry Genetics
Classification: Uncertain significance for Hereditary cancer-predisposing syndrome. Last evaluated: 2025-06-19. Review status: criteria provided, single submitter. Criteria: Ambry Variant Classification Scheme 2023. Collection method: clinical testing. Allele origin: germline.
Comment: The p.R243C variant (also known as c.727C>T), located in coding exon 4 of the MSH6 gene, results from a C to T substitution at nucleotide position 727. The arginine at codon 243 is replaced by cysteine, an amino acid with highly dissimilar properties. This variant has been reported in 1/1120 pediatric cancer patients, who underwent whole genome sequencing and/or whole exome sequencing; this patient was diagnosed with a high grade glioma (Zhang J et al. N. Engl. J. Med. 2015 Dec;373:2336-2346). This amino acid position is not well conserved in available vertebrate species. In addition, the in silico prediction for this alteration is inconclusive. Since supporting evidence is limited at this time, the clinical significance of this alteration remains unclear.

Dasa
Classification: Uncertain significance. Last evaluated: 2025-03-12. Review status: criteria provided, single submitter. Criteria: DASA Assertion Criteria. Collection method: clinical testing. Allele origin: germline.
Comment: NM_000179.3(MSH6):c.727C>T (p.Arg243Cys) is a missense variant that results in the substitution of arginine with cysteine. This variant is rare in population databases. Computational prediction algorithms are consistent with a benign effect. The currently available literature and clinical evidence are not sufficient to establish a definitive association between this variant and the reported condition. Therefore, this variant is classified as a variant of uncertain significance.

Women's Health and Genetics/Laboratory Corporation of America, LabCorp
Classification: Uncertain significance. Last evaluated: 2024-05-09. Review status: criteria provided, single submitter. Criteria: LabCorp Variant Classification Summary - May 2015. Collection method: clinical testing. Allele origin: germline.
Comment: Variant summary: MSH6 c.727C>T (p.Arg243Cys) results in a non-conservative amino acid change in the encoded protein sequence. Three of five in-silico tools predict a damaging effect of the variant on protein function. The variant allele was found at a frequency of 8e-06 in 251088 control chromosomes. The available data on variant occurrences in the general population are insufficient to allow any conclusion about variant significance. c.727C>T has been reported in the literature in individuals affected with Breast cancer (Bhai_2021, Hu_2022). These report(s) do not provide unequivocal conclusions about association of the variant with Lynch Syndrome. Co-occurrences with other pathogenic variant(s) have been reported (ATM c.1924G>T, p.Glu642*), providing supporting evidence for a benign role. To our knowledge, no experimental evidence demonstrating an impact on protein function has been reported. The following publications have been ascertained in the context of this evaluation (PMID: 34326862, 35449176). ClinVar contains an entry for this variant (Variation ID: 142675). Based on the evidence outlined above, the variant was classified as uncertain significance.

Baylor Genetics
Classification: Uncertain significance for Endometrial carcinoma. Last evaluated: 2024-02-24. Review status: criteria provided, single submitter. Criteria: ACMG Guidelines, 2015. Collection method: clinical testing. Allele origin: unknown.

All of Us Research Program, National Institutes of Health
Classification: Uncertain significance for Lynch syndrome. Last evaluated: 2023-08-15. Review status: criteria provided, single submitter. Criteria: ACMG Guidelines, 2015. Collection method: clinical testing. Allele origin: germline. Inheritance: Autosomal dominant inheritance. Observed: 6 variant alleles, 6 heterozygotes.
Comment: This missense variant replaces arginine with cysteine at codon 243 of the MSH6 protein. Computational prediction suggests that this variant may not impact protein structure and function (internally defined REVEL score threshold <= 0.5, PMID: 27666373). To our knowledge, functional studies have not been reported for this variant. This variant has not been reported in individuals affected with MSH6-related disorders in the literature. This variant has been identified in 2/251088 chromosomes in the general population by the Genome Aggregation Database (gnomAD). The available evidence is insufficient to determine the role of this variant in disease conclusively. Therefore, this variant is classified as a Variant of Uncertain Significance.

This study involves interpretation of variants in research participants for the purpose of population health screening. Participant phenotype was not available at the time of variant classification. Additional details can be found in publication PMID: 35346344, PMCID: PMC8962531

Myriad Genetics, Inc.
Classification: Uncertain significance for Lynch syndrome 5. Last evaluated: 2023-03-29. Review status: criteria provided, single submitter. Criteria: Myriad Autosomal Dominant, Autosomal Recessive and X-Linked Classification Criteria (2023). Collection method: clinical testing. Allele origin: unknown.
Comment: This variant is classified as a variant of uncertain significance as there is insufficient evidence to determine its impact on protein function and/or cancer risk.

Color Diagnostics, LLC DBA Color Health
Classification: Uncertain significance for Hereditary cancer-predisposing syndrome. Last evaluated: 2023-03-20. Review status: criteria provided, single submitter. Criteria: ACMG Guidelines, 2015. Collection method: clinical testing. Allele origin: germline.
Comment: This missense variant replaces arginine with cysteine at codon 243 of the MSH6 protein. Computational prediction suggests that this variant may not impact protein structure and function (internally defined REVEL score threshold <= 0.5, PMID: 27666373). To our knowledge, functional studies have not been reported for this variant. This variant has not been reported in individuals affected with MSH6-related disorders in the literature. This variant has been identified in 2/251088 chromosomes in the general population by the Genome Aggregation Database (gnomAD). The available evidence is insufficient to determine the role of this variant in disease conclusively. Therefore, this variant is classified as a Variant of Uncertain Significance.

GeneDx
Classification: Uncertain significance. Last evaluated: 2022-02-23. Review status: criteria provided, single submitter. Criteria: GeneDx Variant Classification Process June 2021. Collection method: clinical testing. Allele origin: germline. Affected: yes.
Comment: Not observed at significant frequency in large population cohorts (gnomAD); In silico analysis supports that this missense variant does not alter protein structure/function; Has not been previously published as pathogenic or benign to our knowledge; This variant is associated with the following publications: (PMID: 23621914, 21437237)

Laboratory of Molecular Epidemiology of Birth Defects, West China Second University Hospital, Sichuan University
Classification: Benign for Ovarian cancer. Last evaluated: 2022-01-01. Review status: criteria provided, single submitter. Criteria: ACMG Guidelines, 2015. Collection method: clinical testing. Allele origin: germline. Affected: yes.

Counsyl
Classification: Uncertain significance for Lynch syndrome 5. Last evaluated: 2015-12-01. Review status: no assertion criteria provided. Collection method: clinical testing. Allele origin: unknown. Not counted in ClinVar's aggregate classification.

Literature cited by the submitters: PubMed 26580448 (cited by Ambry Genetics); PubMed 30267214 (cited by Ambry Genetics); PubMed 35449176 (cited by Women's Health and Genetics/Laboratory Corporation of America, LabCorp); PubMed 34326862 (cited by Women's Health and Genetics/Laboratory Corporation of America, LabCorp); PubMed 23621914 (cited by Counsyl).